The following is an entry in ClinVar:

ClinVar aggregate classification (germline): Pathogenic (1 of 4 stars; one submission).

Allele frequency attached by ClinVar (database versions not stated): gnomAD exomes 0.00001.
gnomAD v4.1: 10 of 1,613,234 alleles (0.00062%); highest among the groups gnomAD compares: Non-Finnish European, 0.00085%; no homozygotes.

Submission:

Labcorp Genetics (formerly Invitae), Labcorp
Classification: Pathogenic. Last evaluated: 2022-12-01. Review status: criteria provided, single submitter. Criteria: Invitae Variant Classification Sherloc (09022015). Collection method: clinical testing. Allele origin: germline.
Comment: For these reasons, this variant has been classified as Pathogenic. This variant has not been reported in the literature in individuals affected with ERCC3-related conditions. This variant is not present in population databases (gnomAD no frequency). This sequence change creates a premature translational stop signal (p.Glu278*) in the ERCC3 gene. It is expected to result in an absent or disrupted protein product. Loss-of-function variants in ERCC3 are known to be pathogenic (PMID: 16947863).

Literature cited by the submitters: PubMed 16947863.

NM_000122.2(ERCC3):c.832G>T (p.Glu278Ter)

Gene: ERCC3 (ERCC excision repair 3, TFIIH core complex helicase subunit; minus strand). Cytogenetic location: 2q14.3.
Variant type: single nucleotide variant.
Coding change: c.832G>T on transcript NM_000122.2 (MANE Select); coding-DNA position 832, G replaced by T.
Protein change: p.Glu278Ter; replaces glutamic acid 278 with a stop codon.
Molecular consequence: nonsense.
Genome position (GRCh38, 1-based): chr2:127,288,855, C>A on the plus strand (G>T on the coding strand, the complement: ERCC3 is on the minus strand). VCF-style: chr2-127288855-C-A. GRCh37 (hg19) VCF-style: chr2-128046431-C-A.
Other names: c.640G>T, p.Glu214Ter (NM_001303416.2, NM_001303418.2); short protein forms E278*, E214*.
Identifiers: ClinVar variation 2816957 (VCV002816957.3), dbSNP rs2468057422, ClinGen allele CA348390590.